The following is an entry in ClinVar:

ClinVar aggregate classification (germline): Uncertain significance. Review status: criteria provided, multiple submitters, no conflicts (2 of 4 stars). 2 submissions from 2 submitters: Uncertain significance (2). Last evaluated 2024-11-04.

Conditions:
Hereditary cancer-predisposing syndrome. Also called: Hereditary Cancer Syndrome; Tumor predisposition; Neoplastic Syndromes, Hereditary; Hereditary neoplastic syndrome. Identifiers: Orphanet 140162, MedGen C0027672, MeSH D009386, MONDO:0015356.
Ataxia-telangiectasia syndrome (AT). Also called: ATAXIA-TELANGIECTASIA, FRESNO VARIANT; Ataxia-telangiectasia, complementation group E; Ataxia telangiectasia (A-T); Cerebello-oculocutaneous telangiectasia; Immunodeficiency with ataxia telangiectasia; LOUIS-BAR SYNDROME. Identifiers: Orphanet 100, MedGen C0004135, MONDO:0008840, OMIM 208900.

Allele frequency attached by ClinVar (database versions not stated): gnomAD exomes below 0.00001.
gnomAD v4.1: 1 of 1,613,696 alleles (0.000062%); highest among the groups gnomAD compares: Non-Finnish European, 0.000085%; no homozygotes.

Submissions (2):

Labcorp Genetics (formerly Invitae), Labcorp
Classification: Uncertain significance for Ataxia-telangiectasia syndrome. Last evaluated: 2024-11-04. Review status: criteria provided, single submitter. Criteria: Invitae Variant Classification Sherloc (09022015). Collection method: clinical testing. Allele origin: germline.
Comment: This sequence change replaces alanine, which is neutral and non-polar, with threonine, which is neutral and polar, at codon 1359 of the ATM protein (p.Ala1359Thr). This variant is not present in population databases (gnomAD no frequency). This variant has not been reported in the literature in individuals affected with ATM-related conditions. ClinVar contains an entry for this variant (Variation ID: 651463). Invitae Evidence Modeling of protein sequence and biophysical properties (such as structural, functional, and spatial information, amino acid conservation, physicochemical variation, residue mobility, and thermodynamic stability) indicates that this missense variant is not expected to disrupt ATM protein function with a negative predictive value of 95%. In summary, the available evidence is currently insufficient to determine the role of this variant in disease. Therefore, it has been classified as a Variant of Uncertain Significance.

Ambry Genetics
Classification: Uncertain significance for Hereditary cancer-predisposing syndrome. Last evaluated: 2023-11-29. Review status: criteria provided, single submitter. Criteria: Ambry Variant Classification Scheme 2023. Collection method: clinical testing. Allele origin: germline.
Comment: The p.A1359T variant (also known as c.4075G>A), located in coding exon 26 of the ATM gene, results from a G to A substitution at nucleotide position 4075. The alanine at codon 1359 is replaced by threonine, an amino acid with similar properties. This amino acid position is poorly conserved in available vertebrate species. In addition, this alteration is predicted to be tolerated by in silico analysis. Since supporting evidence is limited at this time, the clinical significance of this alteration remains unclear.

NM_000051.4(ATM):c.4075G>A (p.Ala1359Thr)

Gene: ATM (ATM serine/threonine kinase; plus strand). Cytogenetic location: 11q22.3.
Variant type: single nucleotide variant.
Coding change: c.4075G>A on transcript NM_000051.4 (MANE Select); coding-DNA position 4075, G replaced by A.
Protein change: p.Ala1359Thr; replaces alanine 1359 with threonine.
Molecular consequence: missense variant.
Genome position (GRCh38, 1-based): chr11:108,287,681, G>A. VCF-style: chr11-108287681-G-A. GRCh37 (hg19) VCF-style: chr11-108158408-G-A.
Other names: c.4075G>A, p.Ala1359Thr (NM_001351834.2); short protein forms A1359T.
Identifiers: ClinVar variation 651463 (VCV000651463.15), dbSNP rs1591656042, ClinGen allele CA382528253.